The following is an entry in ClinVar:

NM_000038.6(APC):c.5734G>A (p.Ala1912Thr)

Gene: APC (APC regulator of Wnt signaling pathway; plus strand). Cytogenetic location: 5q22.2.
Variant type: single nucleotide variant.
Coding change: c.5734G>A on transcript NM_000038.6 (MANE Select); coding-DNA position 5734, G replaced by A.
Protein change: p.Ala1912Thr; replaces alanine 1912 with threonine.
Molecular consequence: missense variant.
Genome position (GRCh38, 1-based): chr5:112,841,328, G>A. VCF-style: chr5-112841328-G-A. GRCh37 (hg19) VCF-style: chr5-112177025-G-A.
Other names: c.5734G>A, p.Ala1912Thr (NM_001127510.3, NM_001354895.2); c.5680G>A, p.Ala1894Thr (NM_001127511.3); c.5788G>A, p.Ala1930Thr (NM_001354896.2); c.5764G>A, p.Ala1922Thr (NM_001354897.2); c.5659G>A, p.Ala1887Thr (NM_001354898.2); c.5650G>A, p.Ala1884Thr (NM_001354899.2); c.5611G>A, p.Ala1871Thr (NM_001354900.2); c.5557G>A, p.Ala1853Thr (NM_001354901.2); and 5 more; short protein forms A1894T, A1912T, A1752T, A1821T, A1871T, A1887T, A1786T, A1811T.
Identifiers: ClinVar variation 495368 (VCV000495368.4), dbSNP rs1554086930, ClinGen allele CA16033884.
Genomic context (GRCh38, chr5:112,841,328, plus strand): 5'-GCTAAAGTTACCAGCCACACAGAACTAACCTCCAACCAACAATCAGCTAATAAGACACAA[G>A]CTATTGCAAAGCAGCCAATAAATCGAGGTCAGCCTAAACCCATACTTCAGAAACAATCCA-3'
Protein context (NP_000029.2, residues 1902-1922): SNQQSANKTQ[Ala1912Thr]IAKQPINRGQ

ClinVar aggregate classification (germline): Uncertain significance. Review status: criteria provided, multiple submitters, no conflicts (2 of 4 stars). 2 submissions from 2 submitters: Uncertain significance (2). Last evaluated 2025-07-11.

Conditions:
Hereditary cancer-predisposing syndrome. Also called: Hereditary neoplastic syndrome; Tumor predisposition; Hereditary Cancer Syndrome; Neoplastic Syndromes, Hereditary. Identifiers: Orphanet 140162, MedGen C0027672, MeSH D009386, MONDO:0015356.

Submissions (2):

Ambry Genetics
Classification: Uncertain significance for Hereditary cancer-predisposing syndrome. Last evaluated: 2025-07-11. Review status: criteria provided, single submitter. Criteria: Ambry Variant Classification Scheme 2023. Collection method: clinical testing. Allele origin: germline.
Comment: The p.A1912T variant (also known as c.5734G>A), located in coding exon 15 of the APC gene, results from a G to A substitution at nucleotide position 5734. The alanine at codon 1912 is replaced by threonine, an amino acid with similar properties. This amino acid position is not well conserved in available vertebrate species. In addition, in silico predictors for this gene do not accurately predict pathogenicity. Based on the available evidence, the clinical significance of this variant remains unclear.

Women's Health and Genetics/Laboratory Corporation of America, LabCorp
Classification: Uncertain significance. Last evaluated: 2017-02-23. Review status: criteria provided, single submitter. Criteria: LabCorp Variant Classification Summary - May 2015. Collection method: clinical testing. Allele origin: germline.
Comment: Variant summary: The c.5734G>A (p.Ala1912Thr) in APC gene is a missense change that involves a non-conserved nucleotide and 3/5 in silico tools predict benign outcome. The variant of interest is located outside of any known functional domain. The variant is absent from the control population dataset of ExAC (0/120818chrs tested). This variant has not, to our knowledge, been reported in affected individuals via published reports or cited by reputable databases/clinical laboratories. The variant was identified in a sample tested positive for a likely pathogenic mutation, c.1648G>T (p.E550*) in BRCA2. Taking together, the variant was classified as VUS.